The following is an entry in ClinVar:

NM_182961.4(SYNE1):c.7218T>C (p.Ser2406=)

Gene: SYNE1 (spectrin repeat containing nuclear envelope protein 1; minus strand). Cytogenetic location: 6q25.2.
Variant type: single nucleotide variant.
Coding change: c.7218T>C on transcript NM_182961.4 (MANE Select); coding-DNA position 7218, T replaced by C.
Protein change: p.Ser2406=; no amino-acid change (serine 2406 retained).
Molecular consequence: synonymous variant.
Genome position (GRCh38, 1-based): chr6:152,399,635, A>G on the plus strand (T>C on the coding strand, the complement: SYNE1 is on the minus strand). VCF-style: chr6-152399635-A-G. GRCh37 (hg19) VCF-style: chr6-152720770-A-G.
Other names: c.7239T>C, p.Ser2413= (NM_033071.5).
Identifiers: ClinVar variation 507498 (VCV000507498.5), dbSNP rs947558246, ClinGen allele CA150196731.

ClinVar aggregate classification (germline): Likely benign. Review status: criteria provided, multiple submitters, no conflicts (2 of 4 stars). 2 submissions from 2 submitters: Likely benign (2). Last evaluated 2024-12-30.

Conditions:
Emery-Dreifuss muscular dystrophy 4, autosomal dominant (EDMD4). Also called: EMERY-DREIFUSS MUSCULAR DYSTROPHY 4 WITH VARIABLE FEATURES. Identifiers: Orphanet 261, MedGen C2751807, MONDO:0013071, OMIM 612998.
Autosomal recessive ataxia, Beauce type. Also called: SYNE1 Deficiency; Spinocerebellar ataxia, autosomal recessive 8; ATAXIA, RECESSIVE, OF BEAUCE; SYNE1-Related Autosomal Recessive Cerebellar Ataxia. Identifiers: Orphanet 88644, MedGen C1853116, MONDO:0012549, OMIM 610743.

Allele frequency attached by ClinVar (database versions not stated): gnomAD exomes below 0.00001 and 0.00001; gnomAD 0.00001 and 0.00002; TOPMed 0.00003.
gnomAD v4.1: 5 of 1,614,098 alleles (0.00031%); highest among the groups gnomAD compares: African/African-American, 0.0067%; no homozygotes.

Submissions (2):

Labcorp Genetics (formerly Invitae), Labcorp
Classification: Likely benign for Emery-Dreifuss muscular dystrophy 4, autosomal dominant; Autosomal recessive ataxia, Beauce type. Last evaluated: 2024-12-30. Review status: criteria provided, single submitter. Criteria: Invitae Variant Classification Sherloc (09022015). Collection method: clinical testing. Allele origin: germline.

GeneDx
Classification: Likely benign. Last evaluated: 2017-02-22. Review status: criteria provided, single submitter. Criteria: GeneDx Variant Classification (06012015). Collection method: clinical testing. Allele origin: germline. Affected: yes.
Comment: This variant is considered likely benign or benign based on one or more of the following criteria: it is a conservative change, it occurs at a poorly conserved position in the protein, it is predicted to be benign by multiple in silico algorithms, and/or has population frequency not consistent with disease.